The following is an entry in ClinVar:

NM_001267550.2(TTN):c.32722+8C>T

Gene: TTN (titin; minus strand). Cytogenetic location: 2q31.2.
Variant type: single nucleotide variant.
Coding change: c.32722+8C>T on transcript NM_001267550.2 (MANE Select); 8 bases into the intron after coding-DNA position 32722, C replaced by T.
Molecular consequence: intron variant.
Genome position (GRCh38, 1-based): chr2:178,684,322, G>A on the plus strand (C>T on the coding strand, the complement: TTN is on the minus strand). VCF-style: chr2-178684322-G-A. GRCh37 (hg19) VCF-style: chr2-179549049-G-A.
Other names: c.13283-42005C>T (NM_003319.4); c.13859-42005C>T (NM_133437.4); c.13658-42005C>T (NM_133432.3); c.28990+8C>T (NM_133378.4); c.31771+8C>T (NM_001256850.1).
Identifiers: ClinVar variation 228083 (VCV000228083.16), dbSNP rs765936606, ClinGen allele CA1998556.

ClinVar aggregate classification (germline): Likely benign. Review status: criteria provided, multiple submitters, no conflicts (2 of 4 stars). 4 submissions from 4 submitters: Likely benign (4). Last evaluated 2025-12-01.

Conditions:
TTN-related disorder. Also called: TTN-related disorders; TTN-related condition; TTN-related disease.
Dilated cardiomyopathy 1G (CMD1G). Identifiers: Orphanet 154, MedGen C1858763, MONDO:0011400, OMIM 604145.
Autosomal recessive limb-girdle muscular dystrophy type 2J (LGMDR10). Also called: Limb-girdle muscular dystrophy, type 2J; MUSCULAR DYSTROPHY, LIMB-GIRDLE, AUTOSOMAL RECESSIVE 10. Identifiers: Orphanet 140922, MedGen C1837342, MONDO:0012127, OMIM 608807.

Allele frequency attached by ClinVar (database versions not stated): gnomAD exomes 0.00002 and 0.00005; gnomAD 0.00004; ExAC 0.00005; TOPMed 0.00006.
gnomAD v4.1: 32 of 1,612,598 alleles (0.002%); highest among the groups gnomAD compares: East Asian, 0.025%; no homozygotes.

Submissions (4):

Labcorp Genetics (formerly Invitae), Labcorp
Classification: Likely benign for Dilated cardiomyopathy 1G; Autosomal recessive limb-girdle muscular dystrophy type 2J. Last evaluated: 2025-12-01. Review status: criteria provided, single submitter. Criteria: Invitae Variant Classification Sherloc (09022015). Collection method: clinical testing. Allele origin: germline.

PreventionGenetics, part of Exact Sciences
Classification: Likely benign for TTN-related condition. Last evaluated: 2025-08-13. Review status: criteria provided, single submitter. Criteria: ACMG Guidelines, 2015. Collection method: clinical testing. Allele origin: germline.
Comment: This variant is classified as likely benign based on ACMG/AMP sequence variant interpretation guidelines (Richards et al. 2015 PMID: 25741868, with internal and published modifications).

Blueprint Genetics
Classification: Likely benign. Last evaluated: 2019-08-13. Review status: criteria provided, single submitter. Criteria: ACMG Guidelines, 2015. Collection method: clinical testing. Allele origin: germline.

Laboratory for Molecular Medicine, Mass General Brigham Personalized Medicine
Classification: Likely benign. Last evaluated: 2015-05-07. Review status: criteria provided, single submitter. Criteria: LMM Criteria. Collection method: clinical testing. Allele origin: germline. Observed: 1 variant allele.
Comment: c.28990+8C>T in intron 129 of TTN: This variant is not expected to have clinical significance because it is not located within the splice consensus sequence. It has been identified in 5/7894 East Asian chromosomes by the Exome Aggregation C onsortium (ExAC).